The following is an entry in ClinVar:

NM_006231.4(POLE):c.6124G>C (p.Gly2042Arg)

Gene: POLE (DNA polymerase epsilon, catalytic subunit; minus strand). Cytogenetic location: 12q24.33.
Variant type: single nucleotide variant.
Coding change: c.6124G>C on transcript NM_006231.4 (MANE Select); coding-DNA position 6124, G replaced by C.
Protein change: p.Gly2042Arg; replaces glycine 2042 with arginine.
Molecular consequence: missense variant.
Genome position (GRCh38, 1-based): chr12:132,632,676, C>G on the plus strand (G>C on the coding strand, the complement: POLE is on the minus strand). VCF-style: chr12-132632676-C-G. GRCh37 (hg19) VCF-style: chr12-133209262-C-G.
Other names: short protein forms G2042R.
Identifiers: ClinVar variation 1061348 (VCV001061348.9), dbSNP rs147954675, ClinGen allele CA387370267.

ClinVar aggregate classification (germline): Uncertain significance (1 of 4 stars; one submission).

Submission:

Labcorp Genetics (formerly Invitae), Labcorp
Classification: Uncertain significance. Last evaluated: 2020-08-04. Review status: criteria provided, single submitter. Criteria: Invitae Variant Classification Sherloc (09022015). Collection method: clinical testing. Allele origin: germline.
Comment: Algorithms developed to predict the effect of missense changes on protein structure and function do not agree on the potential impact of this missense change (SIFT: "Deleterious"; PolyPhen-2: "Benign"; Align-GVGD: "Class C0"). In summary, the available evidence is currently insufficient to determine the role of this variant in disease. Therefore, it has been classified as a Variant of Uncertain Significance. This variant has not been reported in the literature in individuals with POLE-related disease. This variant is not present in population databases (ExAC no frequency). This sequence change replaces glycine with arginine at codon 2042 of the POLE protein (p.Gly2042Arg). The glycine residue is weakly conserved and there is a moderate physicochemical difference between glycine and arginine.